The following is an entry in ClinVar:

NM_014489.4(PGAP2):c.657C>T (p.Leu219=)

Gene: PGAP2 (post-GPI attachment to proteins 2; plus strand). Cytogenetic location: 11p15.4.
Variant type: single nucleotide variant.
Coding change: c.657C>T on transcript NM_014489.4 (MANE Select); coding-DNA position 657, C replaced by T.
Protein change: p.Leu219=; no amino-acid change (leucine 219 retained).
Molecular consequence: synonymous variant. On other transcripts: missense variant (4), non-coding transcript variant (15).
Genome position (GRCh38, 1-based): chr11:3,824,325, C>T. VCF-style: chr11-3824325-C-T. GRCh37 (hg19) VCF-style: chr11-3845555-C-T.
Other names: c.474C>T, p.Leu158= (NM_001256238.2, NM_001256239.2, NM_001256240.2 and 7 more transcripts); c.397C>T, p.Pro133Ser (NM_001283039.2); c.217C>T, p.Pro73Ser (NM_001283040.1); c.627C>T, p.Leu209= (NM_001346397.2); c.484C>T, p.Pro162Ser (NM_001346399.2, NM_001346401.2); c.594C>T, p.Leu198= (NM_001346402.2); c.657C>T, p.Leu219= (NM_001346403.1, NM_001256236.2); c.528C>T, p.Leu176= (NM_001256235.2); short protein forms P162S, P200S, P73S, P133S.
Identifiers: ClinVar variation 1805802 (VCV001805802.1), dbSNP rs368793106, ClinGen allele CA5829838.

ClinVar aggregate classification (germline): Uncertain significance (1 of 4 stars; one submission).

Conditions:
Hyperphosphatasia with impaired intellectual development syndrome 3. Also called: Hyperphosphatasia with intellectual disability syndrome 3; GLYCOSYLPHOSPHATIDYLINOSITOL BIOSYNTHESIS DEFECT 8. Identifiers: Orphanet 247262, MedGen C3280153, MONDO:0013628, OMIM 614207.

Allele frequency attached by ClinVar (database versions not stated): ESP Exome Variant Server 0.00008.
gnomAD v4.1: 47 of 1,614,112 alleles (0.0029%); highest among the groups gnomAD compares: Middle Eastern, 0.066%; no homozygotes.

Submission:

Victorian Clinical Genetics Services, Murdoch Childrens Research Institute
Classification: Uncertain significance for Hyperphosphatasia with impaired intellectual development syndrome 3. Last evaluated: 2020-05-21. Review status: criteria provided, single submitter. Criteria: ACMG Guidelines, 2015. Collection method: clinical testing. Allele origin: germline. Inheritance: Autosomal recessive inheritance.
Comment: A heterozygous missense variant was identified, NM_001346401.1(PGAP2):c.484C>T in exon 7 of 9 of the PGAP2 gene (NB: This variant is synonymous in alternative transcripts, including the predominant transcript, NM_001256240). This substitution is predicted to create a moderate amino acid change from proline to serine at position 162 of the protein, NP_001333330.1(PGAP2):p.(Pro162Ser). The proline at this position has low conservation (100 vertebrates, UCSC), and is not located within a known functional domain. In silico software predicts this variant to be benign (Polyphen, SIFT, CADD, Mutation Taster). The variant is present in the gnomAD population database at a frequency of 0.0012% (3 heterozygotes, 0 homozygotes). The variant has not been previously reported in clinical cases. Based on information available at the time of curation, this variant has been classified as a VARIANT of UNCERTAIN SIGNIFICANCE (VUS) with LOW CLINICAL RELEVANCE.